The following is an entry in ClinVar:

NM_001174096.2(ZEB1):c.1441G>C (p.Glu481Gln)

Gene: ZEB1 (zinc finger E-box binding homeobox 1; plus strand). Cytogenetic location: 10p11.22.
Variant type: single nucleotide variant.
Coding change: c.1441G>C on transcript NM_001174096.2 (MANE Select); coding-DNA position 1441, G replaced by C.
Protein change: p.Glu481Gln; replaces glutamic acid 481 with glutamine.
Molecular consequence: missense variant.
Genome position (GRCh38, 1-based): chr10:31,520,773, G>C. VCF-style: chr10-31520773-G-C. GRCh37 (hg19) VCF-style: chr10-31809701-G-C.
Other names: c.1438G>C (NM_030751.5); c.1390G>C, p.Glu464Gln (NM_001128128.3); c.1378G>C, p.Glu460Gln (NM_001174093.2); c.1387G>C, p.Glu463Gln (NM_001174094.2); c.1237G>C, p.Glu413Gln (NM_001174095.2); c.784G>C, p.Glu262Gln (NM_001323638.2, NM_001323641.2, NM_001323642.2 and 27 more transcripts); c.1399G>C, p.Glu467Gln (NM_001323676.2); c.1396G>C, p.Glu466Gln (NM_001323677.2); and 4 more; short protein forms E463Q, E466Q, E480Q, E481Q, E460Q, E464Q, E467Q, E262Q.
Identifiers: ClinVar variation 2887985 (VCV002887985.4), dbSNP rs374398055, ClinGen allele CA5461639.

ClinVar aggregate classification (germline): Uncertain significance. Review status: criteria provided, multiple submitters, no conflicts (2 of 4 stars). 2 submissions from 2 submitters: Uncertain significance (2). Last evaluated 2024-11-14.

Conditions:
Inborn genetic diseases. Identifiers: MedGen C0950123, MeSH D030342.

Allele frequency attached by ClinVar (database versions not stated): gnomAD exomes 0.00004; gnomAD 0.00006; ExAC 0.00008; ESP Exome Variant Server 0.00008.
gnomAD v4.1: 74 of 1,613,838 alleles (0.0046%); highest among the groups gnomAD compares: Admixed American, 0.032%; no homozygotes.

Submissions (2):

Ambry Genetics
Classification: Uncertain significance for Inborn genetic diseases. Last evaluated: 2024-11-14. Review status: criteria provided, single submitter. Criteria: Ambry Variant Classification Scheme 2023. Collection method: clinical testing. Allele origin: germline.

Labcorp Genetics (formerly Invitae), Labcorp
Classification: Uncertain significance. Last evaluated: 2024-10-22. Review status: criteria provided, single submitter. Criteria: Invitae Variant Classification Sherloc (09022015). Collection method: clinical testing. Allele origin: germline.
Comment: This sequence change replaces glutamic acid, which is acidic and polar, with glutamine, which is neutral and polar, at codon 480 of the ZEB1 protein (p.Glu480Gln). This variant is present in population databases (rs374398055, gnomAD 0.05%), and has an allele count higher than expected for a pathogenic variant. This variant has not been reported in the literature in individuals affected with ZEB1-related conditions. Invitae Evidence Modeling of protein sequence and biophysical properties (such as structural, functional, and spatial information, amino acid conservation, physicochemical variation, residue mobility, and thermodynamic stability) indicates that this missense variant is not expected to disrupt ZEB1 protein function with a negative predictive value of 80%. In summary, the available evidence is currently insufficient to determine the role of this variant in disease. Therefore, it has been classified as a Variant of Uncertain Significance.